The following is an entry in ClinVar:

ClinVar aggregate classification (germline): Uncertain significance. Review status: criteria provided, multiple submitters, no conflicts (2 of 4 stars). 2 submissions from 2 submitters: Uncertain significance (2). Last evaluated 2024-02-02.

Conditions:
Cardiovascular phenotype. Identifiers: MedGen CN230736.
Hereditary cancer-predisposing syndrome. Also called: Hereditary neoplastic syndrome; Tumor predisposition; Neoplastic Syndromes, Hereditary; Hereditary Cancer Syndrome. Identifiers: Orphanet 140162, MedGen C0027672, MeSH D009386, MONDO:0015356.
Neurofibromatosis, type 1 (NF1). Also called: Neurofibromatosis, type I; VON RECKLINGHAUSEN DISEASE; NEUROFIBROMATOSIS, TYPE I, SOMATIC; Peripheral type neurofibromatosis. Identifiers: Orphanet 636, MedGen C0027831, MONDO:0018975, OMIM 162200. Disease mechanism: loss of function.

Submissions (2):

Ambry Genetics
Classification: Uncertain significance for Cardiovascular phenotype; Hereditary cancer-predisposing syndrome. Last evaluated: 2024-02-02. Review status: criteria provided, single submitter. Criteria: Ambry Variant Classification Scheme 2023. Collection method: clinical testing. Allele origin: germline.
Comment: The p.A1509T variant (also known as c.4525G>A), located in coding exon 34 of the NF1 gene, results from a G to A substitution at nucleotide position 4525. The alanine at codon 1509 is replaced by threonine, an amino acid with similar properties. This amino acid position is conserved. In addition, this alteration is predicted to be deleterious by in silico analysis. Based on the available evidence, the clinical significance of this alteration remains unclear.

Labcorp Genetics (formerly Invitae), Labcorp
Classification: Uncertain significance for Neurofibromatosis, type 1. Last evaluated: 2021-04-05. Review status: criteria provided, single submitter. Criteria: Invitae Variant Classification Sherloc (09022015). Collection method: clinical testing. Allele origin: germline.
Comment: In summary, the available evidence is currently insufficient to determine the role of this variant in disease. Therefore, it has been classified as a Variant of Uncertain Significance. Advanced modeling of protein sequence and biophysical properties (such as structural, functional, and spatial information, amino acid conservation, physicochemical variation, residue mobility, and thermodynamic stability) performed at Invitae indicates that this missense variant is expected to disrupt NF1 protein function. This variant has not been reported in the literature in individuals with NF1-related conditions. This variant is not present in population databases (ExAC no frequency). This sequence change replaces alanine with threonine at codon 1509 of the NF1 protein (p.Ala1509Thr). The alanine residue is moderately conserved and there is a small physicochemical difference between alanine and threonine.

NM_001042492.3(NF1):c.4588G>A (p.Ala1530Thr)

Gene: NF1 (neurofibromin 1; plus strand). Cytogenetic location: 17q11.2.
Variant type: single nucleotide variant.
Coding change: c.4588G>A on transcript NM_001042492.3 (MANE Select); coding-DNA position 4588, G replaced by A.
Protein change: p.Ala1530Thr; replaces alanine 1530 with threonine.
Molecular consequence: missense variant.
Genome position (GRCh38, 1-based): chr17:31,261,721, G>A. VCF-style: chr17-31261721-G-A. GRCh37 (hg19) VCF-style: chr17-29588739-G-A.
Other names: c.4525G>A, p.Ala1509Thr (NM_000267.4); short protein forms A1509T, A1530T.
Identifiers: ClinVar variation 1481211 (VCV001481211.9), dbSNP rs2151466206, ClinGen allele CA399000128.
Genomic context (GRCh38, chr17:31,261,721, plus strand): 5'-TGCTAAATGTGAACTGCTAATTTTTTTTCTAAGTAGTTTGCTGTATCTAGGGATCATAAA[G>A]CTGTTGGAAGACGACCTTTTGATAAGATGGCAACACTTCTTGCATACCTGGGTCCTCCAG-3'
Protein context (NP_001035957.1, residues 1520-1540): QYLSSNRDHK[Ala1530Thr]VGRRPFDKMA